The following is an entry in ClinVar:

NM_006005.3(WFS1):c.2663C>A (p.Ser888Ter)

Gene: WFS1 (wolframin ER transmembrane glycoprotein; plus strand). Cytogenetic location: 4p16.1.
Variant type: single nucleotide variant.
Coding change: c.2663C>A on transcript NM_006005.3 (MANE Select); coding-DNA position 2663, C replaced by A.
Protein change: p.Ser888Ter; replaces serine 888 with a stop codon.
Molecular consequence: nonsense.
Genome position (GRCh38, 1-based): chr4:6,302,458, C>A. VCF-style: chr4-6302458-C-A. GRCh37 (hg19) VCF-style: chr4-6304185-C-A.
Other names: c.2663C>A, p.Ser888Ter (NM_001145853.1); short protein forms S888*.
Identifiers: ClinVar variation 1299577 (VCV001299577.2), dbSNP rs547089139, ClinGen allele CA356179808.

ClinVar aggregate classification (germline): Conflicting classifications of pathogenicity. Review status: criteria provided, conflicting classifications (1 of 4 stars). 2 submissions from 2 submitters: Pathogenic (1); Uncertain significance (1). Last evaluated 2022-09-27.

Conditions:
Wolfram syndrome 1 (WFS1). Identifiers: Orphanet 3463, MedGen C4551693, MONDO:0009101, OMIM 222300.
Inborn genetic diseases. Identifiers: MedGen C0950123, MeSH D030342.

Submissions (2):

Ambry Genetics
Classification: Uncertain significance for Inborn genetic diseases. Last evaluated: 2022-09-27. Review status: criteria provided, single submitter. Criteria: Ambry Variant Classification Scheme 2023. Collection method: clinical testing. Allele origin: germline.
Comment: Not expected to trigger nonsense-mediated mRNA decay Based on insufficient or conflicting evidence, the clinical significance of this alteration remains unclear.

Laboratory of Medical Genetics, National & Kapodistrian University of Athens
Classification: Pathogenic for Wolfram syndrome 1. Last evaluated: 2021-10-05. Review status: criteria provided, single submitter. Criteria: ACMG Guidelines, 2015. Collection method: clinical testing. Allele origin: paternal. Affected: yes.
Comment: PVS1, PM2, PP3, PP5

Literature cited by the submitters: PubMed 22238590 (cited by Ambry Genetics).